The following is an entry in ClinVar:

ClinVar aggregate classification (germline): Likely pathogenic (1 of 4 stars; one submission).

Conditions:
Primary ciliary dyskinesia. Also called: Ciliary dyskinesia. Identifiers: Orphanet 244, MedGen C0008780, MONDO:0016575, HP:0012265.

Submission:

Labcorp Genetics (formerly Invitae), Labcorp
Classification: Likely pathogenic for Primary ciliary dyskinesia. Last evaluated: 2023-03-04. Review status: criteria provided, single submitter. Criteria: Invitae Variant Classification Sherloc (09022015). Collection method: clinical testing. Allele origin: germline.
Comment: This sequence change affects a donor splice site in intron 45 of the DNAH11 gene. It is expected to disrupt RNA splicing. Variants that disrupt the donor or acceptor splice site typically lead to a loss of protein function (PMID: 16199547), and loss-of-function variants in DNAH11 are known to be pathogenic (PMID: 18022865, 20513915, 22184204). This variant is not present in population databases (gnomAD no frequency). This variant has not been reported in the literature in individuals affected with DNAH11-related conditions. Algorithms developed to predict the effect of sequence changes on RNA splicing suggest that this variant may disrupt the consensus splice site. In summary, the currently available evidence indicates that the variant is pathogenic, but additional data are needed to prove that conclusively. Therefore, this variant has been classified as Likely Pathogenic.

Literature cited by the submitters: PubMed 16199547; PubMed 18022865; PubMed 20513915; PubMed 22184204.

NM_001277115.2(DNAH11):c.7440+2T>C

Gene: DNAH11 (dynein axonemal heavy chain 11; plus strand). Cytogenetic location: 7p15.3.
Variant type: single nucleotide variant.
Coding change: c.7440+2T>C on transcript NM_001277115.2 (MANE Select); the canonical splice donor site of the intron after coding-DNA position 7440, T replaced by C.
Molecular consequence: splice donor variant.
Genome position (GRCh38, 1-based): chr7:21,725,986, T>C. VCF-style: chr7-21725986-T-C. GRCh37 (hg19) VCF-style: chr7-21765604-T-C.
Identifiers: ClinVar variation 2842885 (VCV002842885.3), dbSNP rs2535043152, ClinGen allele CA366946198.